The following is an entry in ClinVar:

ClinVar aggregate classification (germline): Likely pathogenic (1 of 4 stars; one submission).

Submission:

Labcorp Genetics (formerly Invitae), Labcorp
Classification: Likely pathogenic. Last evaluated: 2022-03-31. Review status: criteria provided, single submitter. Criteria: Invitae Variant Classification Sherloc (09022015). Collection method: clinical testing. Allele origin: germline.
Comment: This sequence change replaces glycine, which is neutral and non-polar, with serine, which is neutral and polar, at codon 1134 of the COL4A5 protein (p.Gly1134Ser). In summary, the currently available evidence indicates that the variant is pathogenic, but additional data are needed to prove that conclusively. Therefore, this variant has been classified as Likely Pathogenic. This variant disrupts the triple helix domain of COL4A5. Glycine residues within the Gly-Xaa-Yaa repeats of the triple helix domain are required for the structure and stability of fibrillar collagens (PMID: 7695699, 8218237, 19344236). In COL4A5, missense variants at these glycine residues are significantly enriched in individuals with disease (PMID: 23720012, 27627812) compared to the general population (ExAC). Advanced modeling of protein sequence and biophysical properties (such as structural, functional, and spatial information, amino acid conservation, physicochemical variation, residue mobility, and thermodynamic stability) performed at Invitae indicates that this missense variant is expected to disrupt COL4A5 protein function. This variant has not been reported in the literature in individuals affected with COL4A5-related conditions. This variant is not present in population databases (gnomAD no frequency).

Literature cited by the submitters: PubMed 7695699; PubMed 8218237; PubMed 19344236; PubMed 23720012; PubMed 27627812.

NM_033380.3(COL4A5):c.3400G>A (p.Gly1134Ser)

Gene: COL4A5 (collagen type IV alpha 5 chain; plus strand). Cytogenetic location: Xq22.3.
Variant type: single nucleotide variant.
Coding change: c.3400G>A on transcript NM_033380.3 (MANE Select); coding-DNA position 3400, G replaced by A.
Protein change: p.Gly1134Ser; replaces glycine 1134 with serine.
Molecular consequence: missense variant.
Genome position (GRCh38, 1-based): chrX:108,665,533, G>A. VCF-style: chrX-108665533-G-A. GRCh37 (hg19) VCF-style: chrX-107908763-G-A.
Other names: c.3400G>A, p.Gly1134Ser (NM_000495.5); short protein forms G1134S.
Identifiers: ClinVar variation 2119767 (VCV002119767.4), dbSNP rs1302200961, ClinGen allele CA413847186.